The following is an entry in ClinVar:

NM_000179.3(MSH6):c.3557-4del

Gene: MSH6 (mutS homolog 6; plus strand). Cytogenetic location: 2p16.3.
Variant type: Deletion.
Coding change: c.3557-4del on transcript NM_000179.3 (MANE Select); 4 bases into the intron before coding-DNA position 3557, one base deleted (T; older notation c.3557-4delT).
Molecular consequence: intron variant.
Genome position (GRCh38, 1-based): chr2:47,805,614, T deleted; the last of 13 consecutive T bases (chr2:47,805,602-47,805,614); deleting any one gives the same sequence. VCF-style (leftmost placement, unchanged base first): chr2-47805601-AT-A. GRCh37 (hg19) VCF-style: chr2-48032740-AT-A.
Other names: c.3557-4delT (NM_000179.2, NM_000179.3); c.3557-16delT (NM_000179.2); c.2651-4del (NM_001281493.2, NM_001281494.2); c.3167-4del (NM_001281492.2).
Identifiers: ClinVar variation 89417 (VCV000089417.30), dbSNP rs267608102, ClinGen allele CA013413.

ClinVar aggregate classification (germline): Benign/Likely benign. Review status: criteria provided, multiple submitters, no conflicts (2 of 4 stars). 15 submissions from 15 submitters: Benign (6); Likely benign (3). 6 of the submissions do not count toward it. Last evaluated 2025-03-04.

Conditions:
Hereditary cancer-predisposing syndrome. Also called: Tumor predisposition; Neoplastic Syndromes, Hereditary; Hereditary neoplastic syndrome; Hereditary Cancer Syndrome. Identifiers: Orphanet 140162, MedGen C0027672, MeSH D009386, MONDO:0015356.
Lynch syndrome 5 (LYNCH5). Also called: Hereditary non-polyposis colorectal cancer, type 5; Colorectal cancer, hereditary nonpolyposis, type 5. Identifiers: Orphanet 144, MedGen C1833477, MONDO:0013710, OMIM 614350. Disease mechanism: loss of function.

Submissions (15):

Center for Genomic Medicine, Rigshospitalet, Copenhagen University Hospital
Classification: Benign. Last evaluated: 2025-03-04. Review status: criteria provided, single submitter. Criteria: ACMG Guidelines, 2015. Collection method: clinical testing. Allele origin: germline.

Myriad Genetics, Inc.
Classification: Benign for Lynch syndrome 5. Last evaluated: 2025-01-08. Review status: criteria provided, single submitter. Criteria: Myriad Autosomal Dominant, Autosomal Recessive and X-Linked Classification Criteria (2023). Collection method: clinical testing. Allele origin: unknown.
Comment: This variant is considered benign. This variant is intronic and is not expected to impact mRNA splicing. This variant is strongly associated with less severe personal and family histories of cancer, typical for individuals without pathogenic variants in this gene [PMID: 27363726].

Blueprint Genetics
Classification: Likely benign. Last evaluated: 2024-11-26. Review status: criteria provided, single submitter. Criteria: ACMG Guidelines, 2015. Collection method: clinical testing. Allele origin: germline.

Unidad de Genómica Garrahan, Hospital de Pediatría Garrahan
Classification: Benign. Last evaluated: 2024-01-24. Review status: criteria provided, single submitter. Criteria: ACMG Guidelines, 2015. Collection method: clinical testing. Allele origin: germline. Affected: no. Observed: 23 variant alleles.
Comment: This variant is classified as Benign based on local population frequency. This variant was detected in 24% of patients studied by a panel of primary immunodeficiencies. Number of patients: 23. Only high quality variants are reported.

Sema4
Classification: Benign for Hereditary cancer-predisposing syndrome. Last evaluated: 2021-09-29. Review status: criteria provided, single submitter. Criteria: Sema4 Curation Guidelines. Collection method: curation. Allele origin: germline.

GeneDx
Classification: Benign. Last evaluated: 2019-08-30. Review status: criteria provided, single submitter. Criteria: GeneDx Variant Classification Process June 2021. Collection method: clinical testing. Allele origin: germline. Affected: yes.

Mendelics
Classification: Likely benign for Lynch syndrome 5. Last evaluated: 2019-05-28. Review status: criteria provided, single submitter. Criteria: Mendelics Assertion Criteria 2017. Collection method: clinical testing. Allele origin: unknown.

Ambry Genetics
Classification: Likely benign for Hereditary cancer-predisposing syndrome. Last evaluated: 2018-03-20. Review status: criteria provided, single submitter. Criteria: Ambry Autosomal Dominant and X-Linked criteria (3/2017). Collection method: clinical testing. Allele origin: germline. Observed: 1 variant allele.

Color Diagnostics, LLC DBA Color Health
Classification: Benign for Hereditary cancer-predisposing syndrome. Last evaluated: 2015-04-08. Review status: criteria provided, single submitter. Criteria: ACMG Guidelines, 2015. Collection method: clinical testing. Allele origin: germline.

Clinical Genetics Laboratory, Department of Pathology, Netherlands Cancer Institute
Classification: Benign. Review status: no assertion criteria provided. Collection method: clinical testing. Allele origin: germline. Affected: yes. Study: VKGL Data-share Consensus. Not counted in ClinVar's aggregate classification.

Clinical Genetics, Academic Medical Center
Classification: Benign. Review status: no assertion criteria provided. Collection method: clinical testing. Allele origin: germline. Affected: yes. Study: VKGL Data-share Consensus. Not counted in ClinVar's aggregate classification.

Department of Pathology and Laboratory Medicine, Sinai Health System
Classification: Uncertain significance. Review status: no assertion criteria provided. Collection method: clinical testing. Allele origin: unknown. Affected: yes. Study: The Canadian Open Genetics Repository (COGR). Not counted in ClinVar's aggregate classification.

Diagnostic Laboratory, Department of Genetics, University Medical Center Groningen
Classification: Benign. Review status: no assertion criteria provided. Collection method: clinical testing. Allele origin: germline. Affected: yes. Study: VKGL Data-share Consensus. Not counted in ClinVar's aggregate classification.

Genome Diagnostics Laboratory, Amsterdam University Medical Center
Classification: Likely benign. Review status: no assertion criteria provided. Collection method: clinical testing. Allele origin: germline. Affected: yes. Study: VKGL Data-share Consensus. Not counted in ClinVar's aggregate classification.

Mayo Clinic Laboratories, Mayo Clinic
Classification: Likely benign. Review status: no assertion criteria provided. Collection method: clinical testing. Allele origin: unknown. Not counted in ClinVar's aggregate classification.

Literature cited by the submitters: PubMed 27363726 (cited by Myriad Genetics, Inc.).